The following is an entry in ClinVar:

ClinVar aggregate classification (germline): Uncertain significance (1 of 4 stars; one submission).

Allele frequency attached by ClinVar (database versions not stated): gnomAD 0.00001 and 0.00003; TOPMed 0.00001; gnomAD exomes 0.00006; ExAC 0.00008; 1000 Genomes Project 0.00060; 1000 Genomes Project 30x 0.00078.
gnomAD v4.1: 47 of 1,613,312 alleles (0.0029%); highest among the groups gnomAD compares: South Asian, 0.042%; no homozygotes.

Submission:

Labcorp Genetics (formerly Invitae), Labcorp
Classification: Uncertain significance. Last evaluated: 2022-08-09. Review status: criteria provided, single submitter. Criteria: Invitae Variant Classification Sherloc (09022015). Collection method: clinical testing. Allele origin: germline.
Comment: This sequence change replaces cysteine, which is neutral and slightly polar, with arginine, which is basic and polar, at codon 122 of the PYROXD1 protein (p.Cys122Arg). This variant is present in population databases (rs531545980, gnomAD 0.05%). This variant has not been reported in the literature in individuals affected with PYROXD1-related conditions. ClinVar contains an entry for this variant (Variation ID: 1479000). Algorithms developed to predict the effect of missense changes on protein structure and function (SIFT, PolyPhen-2, Align-GVGD) all suggest that this variant is likely to be tolerated. In summary, the available evidence is currently insufficient to determine the role of this variant in disease. Therefore, it has been classified as a Variant of Uncertain Significance.

NM_024854.5(PYROXD1):c.364T>C (p.Cys122Arg)

Gene: PYROXD1 (pyridine nucleotide-disulphide oxidoreductase domain 1; plus strand). Cytogenetic location: 12p12.1.
Variant type: single nucleotide variant.
Coding change: c.364T>C on transcript NM_024854.5 (MANE Select); coding-DNA position 364, T replaced by C.
Protein change: p.Cys122Arg; replaces cysteine 122 with arginine.
Molecular consequence: missense variant. On other transcripts: 5 prime UTR variant (1).
Genome position (GRCh38, 1-based): chr12:21,449,641, T>C. VCF-style: chr12-21449641-T-C. GRCh37 (hg19) VCF-style: chr12-21602575-T-C.
Other names: c.151T>C, p.Cys51Arg (NM_001350912.2); c.-340T>C (NM_001350913.2); short protein forms C51R, C122R.
Identifiers: ClinVar variation 1479000 (VCV001479000.5), dbSNP rs531545980, ClinGen allele CA6478182.